The following is an entry in ClinVar:

NM_003611.3(OFD1):c.1497G>T (p.Glu499Asp)

Gene: OFD1 (OFD1 centriole and centriolar satellite protein; plus strand). Cytogenetic location: Xp22.2.
Variant type: single nucleotide variant.
Coding change: c.1497G>T on transcript NM_003611.3 (MANE Select); coding-DNA position 1497, G replaced by T.
Protein change: p.Glu499Asp; replaces glutamic acid 499 with aspartic acid.
Molecular consequence: missense variant.
Genome position (GRCh38, 1-based): chrX:13,757,745, G>T. VCF-style: chrX-13757745-G-T. GRCh37 (hg19) VCF-style: chrX-13775864-G-T.
Other names: c.1377G>T, p.Glu459Asp (NM_001330209.2); c.1077G>T, p.Glu359Asp (NM_001330210.2); short protein forms E359D, E459D, E499D.
Identifiers: ClinVar variation 3755049 (VCV003755049.2).

ClinVar aggregate classification (germline): Uncertain significance (1 of 4 stars; one submission).

Conditions:
Joubert syndrome. Also called: CEREBELLOPARENCHYMAL DISORDER IV; JOUBERT-BOLTSHAUSER SYNDROME; Familial aplasia of the vermis. Identifiers: Orphanet 475, MedGen C5979921, MONDO:0018772.
Orofaciodigital syndrome I (OFD1). Also called: OFDS I; Papillon-Leage and Psaume Syndrome; Oral-Facial-Digital Syndrome Type I. Identifiers: Orphanet 2750, MedGen C1510460, MONDO:0010702, OMIM 311200.

Submission:

Labcorp Genetics (formerly Invitae), Labcorp
Classification: Uncertain significance for Orofaciodigital syndrome I; Joubert syndrome. Last evaluated: 2024-03-28. Review status: criteria provided, single submitter. Criteria: Invitae Variant Classification Sherloc (09022015). Collection method: clinical testing. Allele origin: germline.
Comment: This sequence change replaces glutamic acid, which is acidic and polar, with aspartic acid, which is acidic and polar, at codon 499 of the OFD1 protein (p.Glu499Asp). This variant is not present in population databases (gnomAD no frequency). This variant has not been reported in the literature in individuals affected with OFD1-related conditions. Advanced modeling of protein sequence and biophysical properties (such as structural, functional, and spatial information, amino acid conservation, physicochemical variation, residue mobility, and thermodynamic stability) performed at Invitae indicates that this missense variant is not expected to disrupt OFD1 protein function with a negative predictive value of 80%. In summary, the available evidence is currently insufficient to determine the role of this variant in disease. Therefore, it has been classified as a Variant of Uncertain Significance.